The following is an entry in ClinVar:

NM_000432.4(MYL2):c.47A>G (p.Asn16Ser)

Genes: MYL2 (myosin light chain 2; minus strand), LOC114827850 (VISTA enhancer hs2149; plus strand). Cytogenetic location: 12q24.11.
Variant type: single nucleotide variant.
Coding change: c.47A>G on transcript NM_000432.4 (MANE Select); coding-DNA position 47, A replaced by G.
Protein change: p.Asn16Ser; replaces asparagine 16 with serine.
Molecular consequence: missense variant.
Genome position (GRCh38, 1-based): chr12:110,919,150, T>C on the plus strand (A>G on the coding strand, the complement: MYL2 is on the minus strand). VCF-style: chr12-110919150-T-C. GRCh37 (hg19) VCF-style: chr12-111356954-T-C.
Other names: short protein forms N16S.
Identifiers: ClinVar variation 1017275 (VCV001017275.11), dbSNP rs2071704153, ClinGen allele CA386700289.

ClinVar aggregate classification (germline): Uncertain significance. Review status: criteria provided, multiple submitters, no conflicts (2 of 4 stars). 3 submissions from 3 submitters: Uncertain significance (3). Last evaluated 2024-06-03.

Conditions:
Hypertrophic cardiomyopathy 10. Also called: CARDIOMYOPATHY, HYPERTROPHIC, MID-LEFT VENTRICULAR CHAMBER TYPE, 2; MYL2-Related Familial Hypertrophic Cardiomyopathy. Identifiers: MedGen C1834460, MONDO:0012112, OMIM 608758.
Cardiovascular phenotype. Identifiers: MedGen CN230736.

Submissions (3):

Ambry Genetics
Classification: Uncertain significance for Cardiovascular phenotype. Last evaluated: 2024-06-03. Review status: criteria provided, single submitter. Criteria: Ambry Variant Classification Scheme 2023. Collection method: clinical testing. Allele origin: germline.
Comment: The p.N16S variant (also known as c.47A>G), located in coding exon 2 of the MYL2 gene, results from an A to G substitution at nucleotide position 47. The asparagine at codon 16 is replaced by serine, an amino acid with highly similar properties. This amino acid position is conserved. In addition, this alteration is predicted to be tolerated by in silico analysis. Based on the available evidence, the clinical significance of this variant remains unclear.

Labcorp Genetics (formerly Invitae), Labcorp
Classification: Uncertain significance for Hypertrophic cardiomyopathy 10. Last evaluated: 2024-02-03. Review status: criteria provided, single submitter. Criteria: Invitae Variant Classification Sherloc (09022015). Collection method: clinical testing. Allele origin: germline.
Comment: This sequence change replaces asparagine, which is neutral and polar, with serine, which is neutral and polar, at codon 16 of the MYL2 protein (p.Asn16Ser). This variant is not present in population databases (gnomAD no frequency). This variant has not been reported in the literature in individuals affected with MYL2-related conditions. ClinVar contains an entry for this variant (Variation ID: 1017275). An algorithm developed to predict the effect of missense changes on protein structure and function (PolyPhen-2) suggests that this variant is likely to be disruptive. In summary, the available evidence is currently insufficient to determine the role of this variant in disease. Therefore, it has been classified as a Variant of Uncertain Significance.

GeneDx
Classification: Uncertain significance. Last evaluated: 2020-01-16. Review status: criteria provided, single submitter. Criteria: GeneDx Variant Classification Process June 2021. Collection method: clinical testing. Allele origin: germline. Affected: yes.
Comment: Has not been previously published as pathogenic or benign to our knowledge; Not observed in large population cohorts (Lek et al., 2016); In silico analysis, which includes protein predictors and evolutionary conservation, supports a deleterious effect